The following is an entry in ClinVar:

ClinVar aggregate classification (germline): Benign. Review status: criteria provided, multiple submitters, no conflicts (2 of 4 stars). 4 submissions from 4 submitters: Benign (3). 1 of the submissions does not count toward it. Last evaluated 2026-02-03.

Conditions:
Spinocerebellar ataxia 45. Identifiers: Orphanet 589527, MedGen C4540400, MONDO:0033480, OMIM 617769.
FAT2-related disorder. Also called: FAT2-related condition.

Allele frequency attached by ClinVar (database versions not stated): TOPMed 0.47620; gnomAD 0.48590 and 0.49054; gnomAD exomes 0.50559 and 0.46605; ExAC 0.46785; ESP Exome Variant Server 0.49662; 1000 Genomes Project 0.41973; 1000 Genomes Project 30x 0.42146.
gnomAD v4.1: 812,824 of 1,613,766 alleles (50%); highest among the groups gnomAD compares: Non-Finnish European, 53%; 208,027 homozygotes.

Submissions (4):

Labcorp Genetics (formerly Invitae), Labcorp
Classification: Benign. Last evaluated: 2026-02-03. Review status: criteria provided, single submitter. Criteria: Invitae Variant Classification Sherloc (09022015). Collection method: clinical testing. Allele origin: germline.

Genome-Nilou Lab
Classification: Benign for Spinocerebellar ataxia 45. Last evaluated: 2021-08-10. Review status: criteria provided, single submitter. Criteria: ACMG Guidelines, 2015. Collection method: clinical testing. Allele origin: germline. Affected: no.

GeneDx
Classification: Benign. Last evaluated: 2021-05-04. Review status: criteria provided, single submitter. Criteria: GeneDx Variant Classification Process June 2021. Collection method: clinical testing. Allele origin: germline. Affected: yes.

PreventionGenetics, part of Exact Sciences
Classification: Benign for FAT2-related condition. Last evaluated: 2019-07-08. Review status: no assertion criteria provided. Collection method: clinical testing. Allele origin: germline. Not counted in ClinVar's aggregate classification.
Comment: This variant is classified as benign based on ACMG/AMP sequence variant interpretation guidelines (Richards et al. 2015 PMID: 25741868, with internal and published modifications).

NM_001447.3(FAT2):c.2631T>C (p.Val877=)

Gene: FAT2 (FAT atypical cadherin 2; minus strand). Cytogenetic location: 5q33.1.
Variant type: single nucleotide variant.
Coding change: c.2631T>C on transcript NM_001447.3 (MANE Select); coding-DNA position 2631, T replaced by C.
Protein change: p.Val877=; no amino-acid change (valine 877 retained).
Molecular consequence: synonymous variant.
Genome position (GRCh38, 1-based): chr5:151,566,301, A>G on the plus strand (T>C on the coding strand, the complement: FAT2 is on the minus strand). VCF-style: chr5-151566301-A-G. GRCh37 (hg19) VCF-style: chr5-150945862-A-G.
Identifiers: ClinVar variation 1259768 (VCV001259768.10), dbSNP rs3734057, ClinGen allele CA3522037.